The following is an entry in ClinVar:

ClinVar aggregate classification (germline): Likely pathogenic (1 of 4 stars; one submission).

Submission:

GeneDx
Classification: Likely pathogenic. Last evaluated: 2023-11-06. Review status: criteria provided, single submitter. Criteria: GeneDx Variant Classification Process June 2021. Collection method: clinical testing. Allele origin: germline. Affected: yes.
Comment: Has not been previously published as pathogenic or benign to our knowledge; Canonical splice site variant expected to result in aberrant splicing, although in the absence of functional evidence the actual effect of this sequence change is unknown; Not observed in large population cohorts (gnomAD)

NM_006035.4(CDC42BPB):c.3811+1G>A

Genes: CDC42BPB (CDC42 binding protein kinase beta; minus strand), LOC126862066 (CDK7 strongly-dependent group 2 enhancer GRCh37_chr14:103411482-103412681; plus strand). Cytogenetic location: 14q32.32.
Variant type: single nucleotide variant.
Coding change: c.3811+1G>A on transcript NM_006035.4 (MANE Select); the canonical splice donor site of the intron after coding-DNA position 3811, G replaced by A.
Molecular consequence: splice donor variant.
Genome position (GRCh38, 1-based): chr14:102,945,661, C>T on the plus strand (G>A on the coding strand, the complement: CDC42BPB is on the minus strand). VCF-style: chr14-102945661-C-T. GRCh37 (hg19) VCF-style: chr14-103411998-C-T.
Other names: c.3733+1G>A (NM_001411054.1).
Identifiers: ClinVar variation 3340896 (VCV003340896.1).